The following is an entry in ClinVar:

NM_001242896.3(DEPDC5):c.1903C>A (p.Gln635Lys)

Gene: DEPDC5 (DEP domain containing 5, GATOR1 subcomplex subunit; plus strand). Cytogenetic location: 22q12.3.
Variant type: single nucleotide variant.
Coding change: c.1903C>A on transcript NM_001242896.3 (MANE Select); coding-DNA position 1903, C replaced by A.
Protein change: p.Gln635Lys; replaces glutamine 635 with lysine.
Molecular consequence: missense variant. On other transcripts: non-coding transcript variant (4), intron variant (3).
Genome position (GRCh38, 1-based): chr22:31,821,534, C>A. VCF-style: chr22-31821534-C-A. GRCh37 (hg19) VCF-style: chr22-32217520-C-A.
Other names: c.1903C>A, p.Gln635Lys (NM_001136029.4, NM_001363852.2, NM_001364318.2 and 3 more transcripts); c.1819C>A, p.Gln607Lys (NM_001369901.1, NM_001369902.1); c.1870+2309C>A (NM_001363854.2, NM_001242897.2, NM_001364319.2); short protein forms Q607K, Q635K.
Identifiers: ClinVar variation 4976562 (VCV004976562.1).
Genomic context (GRCh38, chr22:31,821,534, plus strand): 5'-GATGCTCAGTGGTTCTTTATCTGGGTAGGGCCATCCGGAGAAGCCATCCAGATCCACCAC[C>A]AGACCCGACAGAATATGGCGGAGCTACAAGGCAGCGGGCAGAGGGATCCAACTCACTCCT-3'
Protein context (NP_001229825.1, residues 625-645): PSGEAIQIHH[Gln635Lys]TRQNMAELQG

ClinVar aggregate classification (germline): Uncertain significance (1 of 4 stars; one submission).

Submission:

GeneDx
Classification: Uncertain significance. Last evaluated: 2026-02-11. Review status: criteria provided, single submitter. Criteria: GeneDx Variant Classification Process June 2021. Collection method: clinical testing. Allele origin: germline.
Comment: Not observed at significant frequency in large population cohorts (gnomAD); In silico analysis suggests that this missense variant does not alter protein structure/function; Has not been previously published as pathogenic or benign to our knowledge